The following is an entry in ClinVar:

ClinVar aggregate classification (germline): Uncertain significance. Review status: criteria provided, multiple submitters, no conflicts (2 of 4 stars). 2 submissions from 2 submitters: Uncertain significance (2). Last evaluated 2024-08-15.

Conditions:
Inborn genetic diseases. Identifiers: MedGen C0950123, MeSH D030342.

Allele frequency attached by ClinVar (database versions not stated): gnomAD 0.00001; gnomAD exomes 0.00001; 1000 Genomes Project 30x 0.00016.
gnomAD v4.1: 4 of 1,593,350 alleles (0.00025%); highest among the groups gnomAD compares: South Asian, 0.0034%; no homozygotes.

Submissions (2):

Labcorp Genetics (formerly Invitae), Labcorp
Classification: Uncertain significance. Last evaluated: 2024-08-15. Review status: criteria provided, single submitter. Criteria: Invitae Variant Classification Sherloc (09022015). Collection method: clinical testing. Allele origin: germline.
Comment: This sequence change replaces lysine, which is basic and polar, with glutamic acid, which is acidic and polar, at codon 136 of the ATP5D protein (p.Lys136Glu). This variant is not present in population databases (gnomAD no frequency). This variant has not been reported in the literature in individuals affected with ATP5D-related conditions. ClinVar contains an entry for this variant (Variation ID: 2484622). An algorithm developed to predict the effect of missense changes on protein structure and function (PolyPhen-2) suggests that this variant is likely to be tolerated. In summary, the available evidence is currently insufficient to determine the role of this variant in disease. Therefore, it has been classified as a Variant of Uncertain Significance.

Ambry Genetics
Classification: Uncertain significance for Inborn genetic diseases. Last evaluated: 2023-02-15. Review status: criteria provided, single submitter. Criteria: Ambry Variant Classification Scheme 2023. Collection method: clinical testing. Allele origin: germline.

NM_001687.5(ATP5F1D):c.406A>G (p.Lys136Glu)

Genes: ATP5F1D (ATP synthase F1 subunit delta; plus strand), LOC130062904 (ATAC-STARR-seq lymphoblastoid silent region 9674; plus strand). Cytogenetic location: 19p13.3.
Variant type: single nucleotide variant.
Coding change: c.406A>G on transcript NM_001687.5 (MANE Select); coding-DNA position 406, A replaced by G.
Protein change: p.Lys136Glu; replaces lysine 136 with glutamic acid.
Molecular consequence: missense variant.
Genome position (GRCh38, 1-based): chr19:1,244,336, A>G. VCF-style: chr19-1244336-A-G. GRCh37 (hg19) VCF-style: chr19-1244335-A-G.
Other names: c.406A>G, p.Lys136Glu (NM_001001975.2); short protein forms K136E.
Identifiers: ClinVar variation 2484622 (VCV002484622.4), dbSNP rs750127098, ClinGen allele CA9040329.